The following is an entry in ClinVar:

ClinVar aggregate classification (germline): Uncertain significance (1 of 4 stars; one submission).

Submission:

Labcorp Genetics (formerly Invitae), Labcorp
Classification: Uncertain significance. Last evaluated: 2025-10-03. Review status: criteria provided, single submitter. Criteria: Invitae Variant Classification Sherloc (09022015). Collection method: clinical testing. Allele origin: germline.
Comment: This sequence change replaces tryptophan, which is neutral and slightly polar, with glycine, which is neutral and non-polar, at codon 71 of the NOTCH3 protein (p.Trp71Gly). This variant is not present in population databases (gnomAD no frequency). This variant has not been reported in the literature in individuals affected with NOTCH3-related conditions. Invitae Evidence Modeling of protein sequence and biophysical properties (such as structural, functional, and spatial information, amino acid conservation, physicochemical variation, residue mobility, and thermodynamic stability) indicates that this missense variant is expected to disrupt NOTCH3 protein function with a positive predictive value of 95%. In summary, the available evidence is currently insufficient to determine the role of this variant in disease. Therefore, it has been classified as a Variant of Uncertain Significance.

NM_000435.3(NOTCH3):c.211T>G (p.Trp71Gly)

Gene: NOTCH3 (notch receptor 3; minus strand). Cytogenetic location: 19p13.12.
Variant type: single nucleotide variant.
Coding change: c.211T>G on transcript NM_000435.3 (MANE Select); coding-DNA position 211, T replaced by G.
Protein change: p.Trp71Gly; replaces tryptophan 71 with glycine.
Molecular consequence: missense variant.
Genome position (GRCh38, 1-based): chr19:15,192,506, A>C on the plus strand (T>G on the coding strand, the complement: NOTCH3 is on the minus strand). VCF-style: chr19-15192506-A-C. GRCh37 (hg19) VCF-style: chr19-15303317-A-C.
Other names: short protein forms W71G.
Identifiers: ClinVar variation 4802105 (VCV004802105.1).